The following is an entry in ClinVar:

ClinVar aggregate classification (germline): Conflicting classifications of pathogenicity. Review status: criteria provided, conflicting classifications (1 of 4 stars). 3 submissions from 3 submitters: Uncertain significance (2); Benign (1). Last evaluated 2026-03-02.

Conditions:
Cardiovascular phenotype. Identifiers: MedGen CN230736.
Brugada syndrome. Also called: Sudden unexpected nocturnal death syndrome; Sudden unexplained nocturnal death syndrome; Sudden Unexplained Death Syndrome; Sudden Unexplained Nocturnal Death Syndrome (SUNDS). Identifiers: Orphanet 130, MedGen C1142166, MONDO:0015263.

Allele frequency attached by ClinVar (database versions not stated): gnomAD exomes 0.00001 and 0.00002; ExAC 0.00002; TOPMed 0.00004; gnomAD 0.00005; 1000 Genomes Project 30x 0.00016; 1000 Genomes Project 0.00020.
gnomAD v4.1: 17 of 1,611,828 alleles (0.0011%); highest among the groups gnomAD compares: African/African-American, 0.015%; no homozygotes.

Submissions (3):

GeneDx
Classification: Uncertain significance. Last evaluated: 2026-03-02. Review status: criteria provided, single submitter. Criteria: GeneDx Variant Classification Process June 2021. Collection method: clinical testing. Allele origin: germline.
Comment: In silico analysis suggests that this missense variant does not alter protein structure/function; Has not been previously published as pathogenic or benign to our knowledge

Ambry Genetics
Classification: Benign for Cardiovascular phenotype. Last evaluated: 2025-09-24. Review status: criteria provided, single submitter. Criteria: Ambry Variant Classification Scheme 2023. Collection method: clinical testing. Allele origin: germline.

Labcorp Genetics (formerly Invitae), Labcorp
Classification: Uncertain significance for Brugada syndrome. Last evaluated: 2025-09-05. Review status: criteria provided, single submitter. Criteria: Invitae Variant Classification Sherloc (09022015). Collection method: clinical testing. Allele origin: germline.
Comment: This sequence change replaces glycine, which is neutral and non-polar, with valine, which is neutral and non-polar, at codon 979 of the SCN10A protein (p.Gly979Val). This variant is present in population databases (rs559166014, gnomAD 0.03%). This variant has not been reported in the literature in individuals affected with SCN10A-related conditions. ClinVar contains an entry for this variant (Variation ID: 861017). Invitae Evidence Modeling of protein sequence and biophysical properties (such as structural, functional, and spatial information, amino acid conservation, physicochemical variation, residue mobility, and thermodynamic stability) indicates that this missense variant is not expected to disrupt SCN10A protein function with a negative predictive value of 80%. In summary, the available evidence is currently insufficient to determine the role of this variant in disease. Therefore, it has been classified as a Variant of Uncertain Significance.

NM_006514.4(SCN10A):c.2936G>T (p.Gly979Val)

Genes: SCN10A (sodium voltage-gated channel alpha subunit 10; minus strand), LOC110121288 (VISTA enhancer hs2268; plus strand). Cytogenetic location: 3p22.2.
Variant type: single nucleotide variant.
Coding change: c.2936G>T on transcript NM_006514.4 (MANE Select); coding-DNA position 2936, G replaced by T.
Protein change: p.Gly979Val; replaces glycine 979 with valine.
Molecular consequence: missense variant.
Genome position (GRCh38, 1-based): chr3:38,726,757, C>A on the plus strand (G>T on the coding strand, the complement: SCN10A is on the minus strand). VCF-style: chr3-38726757-C-A. GRCh37 (hg19) VCF-style: chr3-38768248-C-A.
Other names: c.2936G>T, p.Gly979Val (NM_001293306.2); c.2642G>T, p.Gly881Val (NM_001293307.2); short protein forms G881V, G979V.
Identifiers: ClinVar variation 861017 (VCV000861017.11), dbSNP rs559166014, ClinGen allele CA2320399.